The following is an entry in ClinVar:

NM_033109.5(PNPT1):c.1755A>G (p.Ile585Met)

Gene: PNPT1 (polyribonucleotide nucleotidyltransferase 1; minus strand). Cytogenetic location: 2p16.1.
Variant type: single nucleotide variant.
Coding change: c.1755A>G on transcript NM_033109.5 (MANE Select); coding-DNA position 1755, A replaced by G.
Protein change: p.Ile585Met; replaces isoleucine 585 with methionine.
Molecular consequence: missense variant.
Genome position (GRCh38, 1-based): chr2:55,645,416, T>C on the plus strand (A>G on the coding strand, the complement: PNPT1 is on the minus strand). VCF-style: chr2-55645416-T-C. GRCh37 (hg19) VCF-style: chr2-55872551-T-C.
Other names: short protein forms I585M.
Identifiers: ClinVar variation 1389296 (VCV001389296.6), dbSNP rs755985160, ClinGen allele CA1667951.
Genomic context (GRCh38, chr2:55,645,416, plus strand): 5'-AGGTCCATTTTCTTTTCTAGATGCTCGAGGTTTTGAAATAGTTTTGTTCATGATCTGTAA[T>C]ATCTCCTTTTTTGCCACTAGAAGAGAAAAACACAAAAATTATAACTACATAAAACAAATA-3'
Protein context (NP_149100.2, residues 575-595): IQQASVAKKE[Ile585Met]LQIMNKTISK

ClinVar aggregate classification (germline): Uncertain significance (1 of 4 stars; one submission).

Allele frequency attached by ClinVar (database versions not stated): gnomAD exomes below 0.00001 and 0.00001; ExAC 0.00001.
gnomAD v4.1: 8 of 1,609,868 alleles (0.0005%); highest among the groups gnomAD compares: South Asian, 0.0011%; no homozygotes.

Submission:

Labcorp Genetics (formerly Invitae), Labcorp
Classification: Uncertain significance. Last evaluated: 2021-10-25. Review status: criteria provided, single submitter. Criteria: Invitae Variant Classification Sherloc (09022015). Collection method: clinical testing. Allele origin: germline.
Comment: In summary, the available evidence is currently insufficient to determine the role of this variant in disease. Therefore, it has been classified as a Variant of Uncertain Significance. Advanced modeling of protein sequence and biophysical properties (such as structural, functional, and spatial information, amino acid conservation, physicochemical variation, residue mobility, and thermodynamic stability) performed at Invitae indicates that this missense variant is expected to disrupt PNPT1 protein function. This variant has not been reported in the literature in individuals affected with PNPT1-related conditions. This variant is present in population databases (rs755985160, gnomAD 0.003%). This sequence change replaces isoleucine, which is neutral and non-polar, with methionine, which is neutral and non-polar, at codon 585 of the PNPT1 protein (p.Ile585Met).